The following is an entry in ClinVar:

NM_001360.3(DHCR7):c.427dup (p.Tyr143fs)

Gene: DHCR7 (7-dehydrocholesterol reductase; minus strand). Cytogenetic location: 11q13.4.
Variant type: Duplication.
Coding change: c.427dup on transcript NM_001360.3 (MANE Select); coding-DNA position 427, one base duplicated (T; older notation c.427dupT).
Protein change: p.Tyr143fs; shifts the reading frame from tyrosine 143.
Molecular consequence: frameshift variant.
Genome position (GRCh38, 1-based): chr11:71,441,426, A duplicated on the plus strand (T on the coding strand, the reverse complement: DHCR7 is on the minus strand). VCF-style (leftmost placement, unchanged base first): chr11-71441425-T-TA. GRCh37 (hg19) VCF-style: chr11-71152471-T-TA.
Other names: c.427dup, p.Tyr143fs (NM_001163817.2, NM_001425107.1, NM_001425109.1 and 7 more transcripts); c.463dup, p.Tyr155fs (NM_001425108.1); c.367dup, p.Tyr123fs (NM_001425113.1); c.331dup, p.Tyr111fs (NM_001425114.1, NM_001425116.1); c.253dup, p.Tyr85fs (NM_001425117.1); short protein forms Y111fs, Y123fs, Y143fs, Y155fs, Y85fs.
Identifiers: ClinVar variation 5015424 (VCV005015424.1).

ClinVar aggregate classification (germline): Pathogenic (1 of 4 stars; one submission).

Conditions:
Smith-Lemli-Opitz syndrome (SLOS). Also called: LETHAL ACRODYSGENITAL SYNDROME; POLYDACTYLY, SEX REVERSAL, RENAL HYPOPLASIA, AND UNILOBAR LUNG; RSH SYNDROME; RUTLEDGE LETHAL MULTIPLE CONGENITAL ANOMALY SYNDROME; 7-Dehydrocholesterol reductase deficiency. Identifiers: Orphanet 818, MedGen C0175694, MONDO:0010035, OMIM 270400.

Submission:

Myriad Genetics, Inc.
Classification: Pathogenic for Smith-Lemli-Opitz syndrome. Last evaluated: 2026-01-15. Review status: criteria provided, single submitter. Criteria: Myriad Autosomal Dominant, Autosomal Recessive and X-Linked Classification Criteria (2023). Collection method: clinical testing. Allele origin: unknown.
Comment: NM_001360.2(DHCR7):c.427dupT(Y143Lfs*84) is expected to be pathogenic in the context of Smith-Lemli-Opitz syndrome. This variant is predicted to lead to an abnormal or absent protein product due to the creation of a premature termination codon in DHCR7, a gene where loss-of-function variants are known to be pathogenic. Please note: this variant was assessed in the context of healthy population screening.